The following is an entry in ClinVar:

ClinVar aggregate classification (germline): Benign/Likely benign. Review status: criteria provided, multiple submitters, no conflicts (2 of 4 stars). 7 submissions from 7 submitters: Benign (3); Likely benign (4). Last evaluated 2026-03-01.

Conditions:
Microcytic anemia. Identifiers: MedGen C5194182, MONDO:0001245, HP:0001935. Disease mechanism: loss of function.

Allele frequency attached by ClinVar (database versions not stated): 1000 Genomes Project 0.00359; 1000 Genomes Project 30x 0.00359; TOPMed 0.00382; ESP Exome Variant Server 0.00538; ExAC 0.00840; gnomAD exomes 0.00950; gnomAD 0.01035.
gnomAD v4.1: 12,445 of 1,614,034 alleles (0.77%); highest among the groups gnomAD compares: Non-Finnish European, 0.66%; 161 homozygotes.

Submissions (7):

CeGaT Center for Human Genetics Tuebingen
Classification: Likely benign. Last evaluated: 2026-03-01. Review status: criteria provided, single submitter. Criteria: CeGaT Center For Human Genetics Tuebingen Variant Classification Criteria Version 2. Collection method: clinical testing. Allele origin: germline. Affected: yes. Observed: 7 variant alleles.
Comment: TMPRSS6: BP4, BS2

Labcorp Genetics (formerly Invitae), Labcorp
Classification: Benign. Last evaluated: 2026-01-26. Review status: criteria provided, single submitter. Criteria: Invitae Variant Classification Sherloc (09022015). Collection method: clinical testing. Allele origin: germline.

Blueprint Genetics
Classification: Likely benign. Last evaluated: 2024-11-28. Review status: criteria provided, single submitter. Criteria: ACMG Guidelines, 2015. Collection method: clinical testing. Allele origin: germline.

Mayo Clinic Laboratories, Mayo Clinic
Classification: Benign. Last evaluated: 2024-08-08. Review status: criteria provided, single submitter. Criteria: ACMG Guidelines, 2015. Collection method: clinical testing. Allele origin: germline. Observed: 5 variant alleles.
Comment: BS1, BS2, BP4

Illumina Laboratory Services, Illumina
Classification: Likely benign for Iron-refractory iron deficiency anemia. Last evaluated: 2018-01-13. Review status: criteria provided, single submitter. Criteria: ICSL Variant Classification Criteria 13 December 2019. Collection method: clinical testing. Allele origin: germline.
Comment: This variant was observed in the ICSL laboratory as part of a predisposition screen in an ostensibly healthy population. It had not been previously curated by ICSL or reported in the Human Gene Mutation Database (HGMD: prior to June 1st, 2018), and was therefore a candidate for classification through an automated scoring system. Utilizing variant allele frequency, disease prevalence and penetrance estimates, and inheritance mode, an automated score was calculated to assess if this variant is too frequent to cause the disease. Based on the score and internal cut-off values, a variant classified as likely benign is not then subjected to further curation. The score for this variant resulted in a classification of likely benign for this disease.

Center for Pediatric Genomic Medicine, Children's Mercy Hospital and Clinics
Classification: Benign. Last evaluated: 2015-08-25. Review status: criteria provided, single submitter. Criteria: ACMG Guidelines, 2015. Collection method: clinical testing. Allele origin: germline.

Breakthrough Genomics
Classification: Likely benign. Review status: criteria provided, single submitter. Criteria: ACMG Guidelines, 2015. Collection method: not provided. Allele origin: germline. Inheritance: Autosomal recessive inheritance. Affected: yes.

Literature cited by the submitters: PubMed 28447549 (cited by Mayo Clinic Laboratories, Mayo Clinic).

NM_001374504.1(TMPRSS6):c.1309C>T (p.Arg437Trp)

Gene: TMPRSS6 (transmembrane serine protease 6; minus strand). Cytogenetic location: 22q12.3.
Variant type: single nucleotide variant.
Coding change: c.1309C>T on transcript NM_001374504.1 (MANE Select); coding-DNA position 1309, C replaced by T.
Protein change: p.Arg437Trp; replaces arginine 437 with tryptophan.
Molecular consequence: missense variant.
Genome position (GRCh38, 1-based): chr22:37,075,168, G>A on the plus strand (C>T on the coding strand, the complement: TMPRSS6 is on the minus strand). VCF-style: chr22-37075168-G-A. GRCh37 (hg19) VCF-style: chr22-37471208-G-A.
Other names: c.1309C>T, p.Arg437Trp (NM_001289000.2, NM_001289001.2, NM_153609.4); short protein forms R446W, R437W.
Identifiers: ClinVar variation 235540 (VCV000235540.42), dbSNP rs117576908, ClinGen allele CA10215664.